The following is an entry in ClinVar:

ClinVar aggregate classification (germline): Pathogenic. Review status: criteria provided, multiple submitters, no conflicts (2 of 4 stars). 6 submissions from 6 submitters: Pathogenic (5). 1 of the submissions does not count toward it. Last evaluated 2026-02-02.

Conditions:
Hereditary cancer-predisposing syndrome. Also called: Hereditary Cancer Syndrome; Hereditary neoplastic syndrome; Neoplastic Syndromes, Hereditary; Tumor predisposition. Identifiers: Orphanet 140162, MedGen C0027672, MeSH D009386, MONDO:0015356.
Familial adenomatous polyposis 1 (FAP1). Also called: FAMILIAL ADENOMATOUS POLYPOSIS 1, ATTENUATED; POLYPOSIS, ADENOMATOUS INTESTINAL. Identifiers: MedGen C2713442, MONDO:0021056, OMIM 175100. Disease mechanism: loss of function.

Submissions (6):

Labcorp Genetics (formerly Invitae), Labcorp
Classification: Pathogenic for Familial adenomatous polyposis 1. Last evaluated: 2026-02-02. Review status: criteria provided, single submitter. Criteria: Invitae Variant Classification Sherloc (09022015). Collection method: clinical testing. Allele origin: germline.
Comment: This sequence change creates a premature translational stop signal (p.Tyr159Leufs*9) in the APC gene. It is expected to result in an absent or disrupted protein product. Loss-of-function variants in APC are known to be pathogenic (PMID: 17963004, 20685668). This variant is not present in population databases (gnomAD no frequency). This variant has not been reported in the literature in individuals affected with APC-related conditions. ClinVar contains an entry for this variant (Variation ID: 217990). RNA analysis performed to evaluate the impact of this premature translational stop signal on mRNA splicing indicates it does not significantly alter splicing (internal data). For these reasons, this variant has been classified as Pathogenic.

Ambry Genetics
Classification: Pathogenic for Hereditary cancer-predisposing syndrome. Last evaluated: 2024-06-07. Review status: criteria provided, single submitter. Criteria: Ambry Variant Classification Scheme 2023. Collection method: clinical testing. Allele origin: germline.
Comment: The c.475dupT pathogenic mutation, located in coding exon 4 of the APC gene, results from a duplication of T at nucleotide position 475, causing a translational frameshift with a predicted alternate stop codon (p.Y159Lfs*9). This alteration is expected to result in loss of function by premature protein truncation or nonsense-mediated mRNA decay. As such, this alteration is interpreted as a disease-causing mutation.

Color Diagnostics, LLC DBA Color Health
Classification: Pathogenic for Hereditary cancer-predisposing syndrome. Last evaluated: 2023-12-05. Review status: criteria provided, single submitter. Criteria: ACMG Guidelines, 2015. Collection method: clinical testing. Allele origin: germline.
Comment: This variant inserts 1 nucleotide in exon 5 of the APC gene, creating a frameshift and premature translation stop signal. This variant is expected to result in an absent or non-functional protein product. To our knowledge, this variant has not been reported in individuals affected with APC-related disorders in the literature. This variant has not been identified in the general population by the Genome Aggregation Database (gnomAD). Loss of APC function is a known mechanism of disease. Based on the available evidence, this variant is classified as Pathogenic.

Myriad Genetics, Inc.
Classification: Pathogenic for Familial adenomatous polyposis 1. Last evaluated: 2023-04-26. Review status: criteria provided, single submitter. Criteria: Myriad Autosomal Dominant, Autosomal Recessive and X-Linked Classification Criteria (2023). Collection method: clinical testing. Allele origin: unknown.
Comment: This variant is considered pathogenic. This variant creates a frameshift predicted to result in premature protein truncation.

GeneDx
Classification: Pathogenic. Last evaluated: 2017-04-06. Review status: criteria provided, single submitter. Criteria: GeneDx Variant Classification (06012015). Collection method: clinical testing. Allele origin: germline. Affected: yes.
Comment: This duplication of one nucleotide in APC is denoted c.475dupT at the cDNA level and p.Tyr159LeufsX9 (Y159LfsX9) at the protein level. The normal sequence, with the base that is duplicated in brackets, is GTAT[dupT]ACGC. The duplication causes a frameshift, which changes a Tyrosine to a Leucine at codon 159, and creates a premature stop codon at position 9 of the new reading frame. Although this variant has not, to our knowledge, been reported in the literature, it is predicted to cause loss of normal protein function through either protein truncation or nonsense-mediated mRNA decay. We consider this variant to be pathogenic.

Mayo Clinic Laboratories, Mayo Clinic
Classification: Likely pathogenic. Review status: no assertion criteria provided. Collection method: research. Allele origin: unknown. Observed: 2 variant alleles. Not counted in ClinVar's aggregate classification.

Literature cited by the submitters: PubMed 17963004 (cited by Labcorp Genetics (formerly Invitae), Labcorp); PubMed 20685668 (cited by Labcorp Genetics (formerly Invitae), Labcorp).

NM_000038.6(APC):c.475dup (p.Tyr159fs)

Gene: APC (APC regulator of Wnt signaling pathway; plus strand). Cytogenetic location: 5q22.2.
Variant type: Duplication.
Coding change: c.475dup on transcript NM_000038.6 (MANE Select); coding-DNA position 475, one base duplicated (T; older notation c.475dupT).
Protein change: p.Tyr159fs; shifts the reading frame from tyrosine 159.
Molecular consequence: frameshift variant. On other transcripts: 5 prime UTR variant (1).
Genome position (GRCh38, 1-based): chr5:112,775,681, T duplicated; the last of 2 consecutive T bases (chr5:112,775,680-112,775,681); duplicating either gives the same sequence. VCF-style (leftmost placement, unchanged base first): chr5-112775679-A-AT. GRCh37 (hg19) VCF-style: chr5-112111376-A-AT.
Other names: c.475dup, p.Tyr159fs (NM_001127510.3, NM_001354895.2, NM_001354896.2 and 2 more transcripts); c.505dup, p.Tyr169fs (NM_001127511.3, NM_001354897.2, NM_001354902.2); c.400dup, p.Tyr134fs (NM_001354898.2, NM_001354904.2); c.298dup, p.Tyr100fs (NM_001354900.2, NM_001354901.2, NM_001354905.2); c.-561dup (NM_001354906.2); c.475dup (NM_000038.5); short protein forms Y100fs, Y169fs, Y134fs, Y159fs.
Identifiers: ClinVar variation 217990 (VCV000217990.23), dbSNP rs863225361, ClinGen allele CA279827.
Genomic context (GRCh38, chr5:112,775,679, plus strand): 5'-AAAAAAATAGGTCATTGCTTCTTGCTGATCTTGACAAAGAAGAAAAGGAAAAAGACTGGT[A>AT]TTACGCTCAACTTCAGAATCTCACTAAAAGAATAGATAGTCTTCCTTTAACTGAAAATGT-3'